The following is an entry in ClinVar:

ClinVar aggregate classification (germline): Conflicting classifications of pathogenicity. Review status: criteria provided, conflicting classifications (1 of 4 stars). 12 submissions from 11 submitters: Uncertain significance (4); Benign (3); Likely benign (4). 1 of the submissions does not count toward it. Last evaluated 2026-08-01.

Conditions:
Autoinflammatory syndrome. Identifiers: Orphanet 93665, MedGen C3890737, MONDO:0019751.
Blau syndrome (BLAUS). Also called: ARTHROCUTANEOUVEAL GRANULOMATOSIS; GRANULOMATOSIS, FAMILIAL JUVENILE SYSTEMIC; GRANULOMATOSIS, FAMILIAL, BLAU TYPE; GRANULOMATOUS INFLAMMATORY ARTHRITIS, DERMATITIS, AND UVEITIS, FAMILIAL; JABS SYNDROME. Identifiers: Orphanet 90340, MedGen C5201146, MONDO:0008523, OMIM 186580.
Regional enteritis. Also called: Enteritis, Granulomatous. Identifiers: MedGen C0678202, MeSH D003424.
Inflammatory bowel disease 1 (IBD1). Also called: Inflammatory bowel disease 1, Crohn disease; INFLAMMATORY BOWEL DISEASE (CROHN DISEASE) 1. Identifiers: MedGen CN260071, MONDO:0009960, OMIM 266600.
Yao syndrome. Also called: Susceptibility to Yao syndrome. Identifiers: MedGen C4310620, MONDO:0015019, OMIM 617321.

Allele frequency attached by ClinVar (database versions not stated): 1000 Genomes Project 30x 0.00016; 1000 Genomes Project 0.00020; TOPMed 0.00125; gnomAD 0.00133 and 0.00137; gnomAD exomes 0.00140 and 0.00160; ExAC 0.00156; ESP Exome Variant Server 0.00177.
gnomAD v4.1: 2,257 of 1,613,998 alleles (0.14%); highest among the groups gnomAD compares: Middle Eastern, 0.2%; 5 homozygotes.

Submissions (12):

CeGaT Center for Human Genetics Tuebingen
Classification: Benign. Last evaluated: 2026-08-01. Review status: criteria provided, single submitter. Criteria: CeGaT Center For Human Genetics Tuebingen Variant Classification Criteria Version 2. Collection method: clinical testing. Allele origin: germline. Affected: yes. Observed: 10 variant alleles.
Comment: NOD2: BP4, BS1, BS2

Labcorp Genetics (formerly Invitae), Labcorp
Classification: Benign for Regional enteritis; Blau syndrome. Last evaluated: 2026-02-01. Review status: criteria provided, single submitter. Criteria: Invitae Variant Classification Sherloc (09022015). Collection method: clinical testing. Allele origin: germline.

Women's Health and Genetics/Laboratory Corporation of America, LabCorp
Classification: Likely benign. Last evaluated: 2026-01-22. Review status: criteria provided, single submitter. Criteria: LabCorp Variant Classification Summary - May 2015. Collection method: clinical testing. Allele origin: germline.

GeneDx
Classification: Uncertain significance. Last evaluated: 2025-10-07. Review status: criteria provided, single submitter. Criteria: GeneDx Variant Classification Process June 2021. Collection method: clinical testing. Allele origin: germline.
Comment: In silico analysis suggests that this missense variant does not alter protein structure/function; This variant is associated with the following publications: (PMID: 12115249, Lakatos_2004_Abstract, 15770725, 30166421, 24986970, 17941079, 12577202, 37229767, 16965521, 32707200, 28814775)

ARUP Laboratories, Molecular Genetics and Genomics, ARUP Laboratories
Classification: Likely benign. Last evaluated: 2025-02-06. Review status: criteria provided, single submitter. Criteria: ARUP Molecular Germline Variant Investigation Process 2024. Collection method: clinical testing. Allele origin: germline.

Blueprint Genetics
Classification: Likely benign. Last evaluated: 2024-11-25. Review status: criteria provided, single submitter. Criteria: ACMG Guidelines, 2015. Collection method: clinical testing. Allele origin: germline.

Fulgent Genetics
Classification: Uncertain significance for Blau syndrome; Inflammatory bowel disease 1; Yao syndrome. Last evaluated: 2024-01-29. Review status: criteria provided, single submitter. Criteria: ACMG Guidelines, 2015. Collection method: clinical testing. Allele origin: germline.

Baylor Genetics
Classification: Uncertain significance for Inflammatory bowel disease 1. Last evaluated: 2019-10-14. Review status: criteria provided, single submitter. Criteria: ACMG Guidelines, 2015. Collection method: clinical testing. Allele origin: unknown. Affected: yes.
Comment: This variant was determined to be of uncertain significance according to ACMG Guidelines, 2015 [PMID:25741868].

Genome Diagnostics Laboratory, The Hospital for Sick Children
Classification: Uncertain significance for Autoinflammatory syndrome. Last evaluated: 2018-11-01. Review status: criteria provided, single submitter. Criteria: ACMG Guidelines, 2015. Collection method: clinical testing. Allele origin: germline. Affected: yes.

Illumina Laboratory Services, Illumina
Classification: Likely benign for Inflammatory bowel disease 1. Last evaluated: 2018-01-13. Review status: criteria provided, single submitter. Criteria: ICSL Variant Classification Criteria 13 December 2019. Collection method: clinical testing. Allele origin: germline.
Comment: This variant was observed in the ICSL laboratory as part of a predisposition screen in an ostensibly healthy population. It had not been previously curated by ICSL or reported in the Human Gene Mutation Database (HGMD: prior to June 1st, 2018), and was therefore a candidate for classification through an automated scoring system. Utilizing variant allele frequency, disease prevalence and penetrance estimates, and inheritance mode, an automated score was calculated to assess if this variant is too frequent to cause the disease. Based on the score and internal cut-off values, a variant classified as likely benign is not then subjected to further curation. The score for this variant resulted in a classification of likely benign for this disease.

Illumina Laboratory Services, Illumina
Classification: Benign for Blau syndrome. Last evaluated: 2018-01-13. Review status: criteria provided, single submitter. Criteria: ICSL Variant Classification Criteria 13 December 2019. Collection method: clinical testing. Allele origin: germline.
Comment: This variant was observed in the ICSL laboratory as part of a predisposition screen in an ostensibly healthy population. It had not been previously curated by ICSL or reported in the Human Gene Mutation Database (HGMD: prior to June 1st, 2018), and was therefore a candidate for classification through an automated scoring system. Utilizing variant allele frequency, disease prevalence and penetrance estimates, and inheritance mode, an automated score was calculated to assess if this variant is too frequent to cause the disease. Based on the score and internal cut-off values, a variant classified as benign is not then subjected to further curation. The score for this variant resulted in a classification of benign for this disease.

Unité médicale des maladies autoinflammatoires, CHRU Montpellier
No classification provided. Condition: Sarcoidosis, early-onset. Review status: no classification provided. Collection method: not provided. Allele origin: unknown. Not counted in ClinVar's aggregate classification.
Comment: also involved in OMIM 186580 and 266600

NM_001370466.1(NOD2):c.2291G>A (p.Arg764Gln)

Gene: NOD2 (nucleotide binding oligomerization domain containing 2; plus strand). Cytogenetic location: 16q12.1.
Variant type: single nucleotide variant.
Coding change: c.2291G>A on transcript NM_001370466.1 (MANE Select); coding-DNA position 2291, G replaced by A.
Protein change: p.Arg764Gln; replaces arginine 764 with glutamine.
Molecular consequence: missense variant. On other transcripts: non-coding transcript variant (1).
Genome position (GRCh38, 1-based): chr16:50,712,283, G>A. VCF-style: chr16-50712283-G-A. GRCh37 (hg19) VCF-style: chr16-50746194-G-A.
Other names: c.2291G>A, p.Arg764Gln (NM_001293557.2); c.2372G>A, p.Arg791Gln (NM_022162.3); c.2372G>A (LRG_177t1); short protein forms R791Q, R764Q.
Identifiers: ClinVar variation 97850 (VCV000097850.64), dbSNP rs104895464, ClinGen allele CA150262.